The following is an entry in ClinVar:

NM_004415.4(DSP):c.2321T>A (p.Leu774His)

Gene: DSP (desmoplakin; plus strand). Cytogenetic location: 6p24.3.
Variant type: single nucleotide variant.
Coding change: c.2321T>A on transcript NM_004415.4 (MANE Select); coding-DNA position 2321, T replaced by A.
Protein change: p.Leu774His; replaces leucine 774 with histidine.
Molecular consequence: missense variant.
Genome position (GRCh38, 1-based): chr6:7,574,680, T>A. VCF-style: chr6-7574680-T-A. GRCh37 (hg19) VCF-style: chr6-7574913-T-A.
Other names: c.2321T>A, p.Leu774His (NM_001008844.3, NM_001319034.2); short protein forms L774H.
Identifiers: ClinVar variation 2044758 (VCV002044758.4), dbSNP rs2533906032, ClinGen allele CA362681064.

ClinVar aggregate classification (germline): Uncertain significance (1 of 4 stars; one submission).

Conditions:
Arrhythmogenic right ventricular dysplasia 8 (ARVD8). Also called: Arrhythmogenic Right Ventricular Dysplasia/Cardiomyopathy 8; ARRHYTHMOGENIC RIGHT VENTRICULAR DYSPLASIA, FAMILIAL, 8; ARRHYTHMOGENIC RIGHT VENTRICULAR CARDIOMYOPATHY 8. Identifiers: MedGen C1843896, MONDO:0011831, OMIM 607450.
Arrhythmogenic cardiomyopathy with wooly hair and keratoderma. Also called: Dilated cardiomyopathy with woolly hair and keratoderma; Arrhythmogenic cardiomyopathy with woolly hair and keratoderma; PALMOPLANTAR KERATODERMA WITH LEFT VENTRICULAR CARDIOMYOPATHY AND WOOLLY HAIR; Carvajal syndrome. Identifiers: Orphanet 65282, MedGen C1854063, MONDO:0011581, OMIM 605676.

Submission:

Labcorp Genetics (formerly Invitae), Labcorp
Classification: Uncertain significance for Arrhythmogenic cardiomyopathy with wooly hair and keratoderma; Arrhythmogenic right ventricular dysplasia 8. Last evaluated: 2022-02-01. Review status: criteria provided, single submitter. Criteria: Invitae Variant Classification Sherloc (09022015). Collection method: clinical testing. Allele origin: germline.
Comment: This sequence change replaces leucine, which is neutral and non-polar, with histidine, which is basic and polar, at codon 774 of the DSP protein (p.Leu774His). This variant is not present in population databases (gnomAD no frequency). This variant has not been reported in the literature in individuals affected with DSP-related conditions. Algorithms developed to predict the effect of missense changes on protein structure and function (SIFT, PolyPhen-2, Align-GVGD) all suggest that this variant is likely to be disruptive. In summary, the available evidence is currently insufficient to determine the role of this variant in disease. Therefore, it has been classified as a Variant of Uncertain Significance.